The following is an entry in ClinVar:

ClinVar aggregate classification (germline): Uncertain significance. Review status: criteria provided, multiple submitters, no conflicts (2 of 4 stars). 2 submissions from 2 submitters: Uncertain significance (2). Last evaluated 2021-11-07.

Conditions:
Microcephaly, normal intelligence and immunodeficiency (NBS). Also called: IMMUNODEFICIENCY, MICROCEPHALY, AND CHROMOSOMAL INSTABILITY; SEEMANOVA SYNDROME II; Nijmegen breakage syndrome; Microcephaly with normal intelligence immunodeficiency and lymphoreticular malignancies; Nonsyndromal microcephaly autosomal recessive with normal intelligence; Seemanova syndrome 2. Identifiers: Orphanet 647, MedGen C0398791, MONDO:0009623, OMIM 251260.

Allele frequency attached by ClinVar (database versions not stated): gnomAD exomes below 0.00001.

Submissions (2):

Genome-Nilou Lab
Classification: Uncertain significance for Microcephaly, normal intelligence and immunodeficiency. Last evaluated: 2021-11-07. Review status: criteria provided, single submitter. Criteria: ACMG Guidelines, 2015. Collection method: clinical testing. Allele origin: germline. Affected: no.

Labcorp Genetics (formerly Invitae), Labcorp
Classification: Uncertain significance for Microcephaly, normal intelligence and immunodeficiency. Last evaluated: 2020-01-30. Review status: criteria provided, single submitter. Criteria: Invitae Variant Classification Sherloc (09022015). Collection method: clinical testing. Allele origin: germline.
Comment: In summary, the available evidence is currently insufficient to determine the role of this variant in disease. Therefore, it has been classified as a Variant of Uncertain Significance. This variant at the initiator codon is expected to affect translation initiation. Rescue of translation at the next in-frame methionine at codon 83 is expected to disrupt the forkhead-associated (FHA) domain (PMID: 9590180, 26315354), which facilitates DNA repair responses (PMID: 11062235, 19804755, 12433983). However, functional study has not been tested for this variant. A different change affecting the initiator codon (c.1A>G) has been observed as homozygous in an individual affected with colorectal cancer (PMID: 28975465). Biallelic pathogenic NBN variants are associated with autosomal recessive Nijimegen breakage syndrome (NBS). Therefore, the clinical significance of this observation is uncertain. This variant has not been reported in the literature in individuals with NBN-related disease. ClinVar contains an entry for this variant (Variation ID: 461561). This variant is not present in population databases (ExAC no frequency). This sequence change affects the initiator methionine of the NBN mRNA. The next in-frame methionine is located at codon 83.

Literature cited by the submitters: PubMed 9590180 (cited by Labcorp Genetics (formerly Invitae), Labcorp); PubMed 26315354 (cited by Labcorp Genetics (formerly Invitae), Labcorp); PubMed 11062235 (cited by Labcorp Genetics (formerly Invitae), Labcorp); PubMed 19804755 (cited by Labcorp Genetics (formerly Invitae), Labcorp); PubMed 12433983 (cited by Labcorp Genetics (formerly Invitae), Labcorp); PubMed 28975465 (cited by Labcorp Genetics (formerly Invitae), Labcorp).

NM_002485.5(NBN):c.3G>A (p.Met1Ile)

Gene: NBN (nibrin; minus strand). Cytogenetic location: 8q21.3.
Variant type: single nucleotide variant.
Coding change: c.3G>A on transcript NM_002485.5 (MANE Select); coding-DNA position 3, G replaced by A.
Protein change: p.Met1Ile; changes the start codon (methionine 1).
Molecular consequence: missense variant, initiator codon variant. On other transcripts: 5 prime UTR variant (1).
Genome position (GRCh38, 1-based): chr8:89,984,559, C>T on the plus strand (G>A on the coding strand, the complement: NBN is on the minus strand). VCF-style: chr8-89984559-C-T. GRCh37 (hg19) VCF-style: chr8-90996787-C-T.
Other names: c.-294G>A (NM_001024688.3); short protein forms M1I.
Identifiers: ClinVar variation 461561 (VCV000461561.14), dbSNP rs1554569682, ClinGen allele CA371664229.